The following is an entry in ClinVar:

ClinVar aggregate classification (germline): Uncertain significance. Review status: criteria provided, multiple submitters, no conflicts (2 of 4 stars). 2 submissions from 2 submitters: Uncertain significance (2). Last evaluated 2024-09-26.

Conditions:
Neurodevelopmental disorder with dysmorphic facies and distal skeletal anomalies. Identifiers: MedGen C5231448, MONDO:0032855, OMIM 618659.

Submissions (2):

GeneDx
Classification: Uncertain significance. Last evaluated: 2024-09-26. Review status: criteria provided, single submitter. Criteria: GeneDx Variant Classification Process June 2021. Collection method: clinical testing. Allele origin: germline. Affected: yes.
Comment: Not observed at significant frequency in large population cohorts (gnomAD); In silico analysis supports that this missense variant has a deleterious effect on protein structure/function; Has not been previously published as pathogenic or benign to our knowledge

Juno Genomics, Hangzhou Juno Genomics, Inc
Classification: Uncertain significance for Neurodevelopmental disorder with dysmorphic facies and distal skeletal anomalies. Review status: criteria provided, single submitter. Criteria: ACMG Guidelines, 2015. Collection method: clinical testing. Allele origin: germline.
Comment: Missense variant in a gene that has a low rate of benign missense variation.;Multiple lines of computational evidence support a deleterious effect on the gene or gene product.;Absent from controls (or at extremely low frequency if recessive) in Genome Aggregation Database.

NM_020338.4(ZMIZ1):c.428A>T (p.Asp143Val)

Gene: ZMIZ1 (zinc finger MIZ-type containing 1; plus strand). Cytogenetic location: 10q22.3.
Variant type: single nucleotide variant.
Coding change: c.428A>T on transcript NM_020338.4 (MANE Select); coding-DNA position 428, A replaced by T.
Protein change: p.Asp143Val; replaces aspartic acid 143 with valine.
Molecular consequence: missense variant.
Genome position (GRCh38, 1-based): chr10:79,289,777, A>T. VCF-style: chr10-79289777-A-T. GRCh37 (hg19) VCF-style: chr10-81049534-A-T.
Other names: short protein forms D143V.
Identifiers: ClinVar variation 3774797 (VCV003774797.3).
Genomic context (GRCh38, chr10:79,289,777, plus strand): 5'-CCTGTCTTGAGTCTGTGCCTGCCAGGCCCTGAAGATCTCCCTCTGTCTCCCTCTGCAGTG[A>T]TGGGTCGTTCCCCTATGACTCTGTCCCTTGGCAGCAGAACACCAACCAGCCTCCCGGCTC-3'
Protein context (NP_065071.1, residues 133-153): SSMKPTLSHS[Asp143Val]GSFPYDSVPW